The following is an entry in ClinVar:

ClinVar aggregate classification (germline): Uncertain significance (1 of 4 stars; one submission).

Submission:

Labcorp Genetics (formerly Invitae), Labcorp
Classification: Uncertain significance. Last evaluated: 2025-09-28. Review status: criteria provided, single submitter. Criteria: Invitae Variant Classification Sherloc (09022015). Collection method: clinical testing. Allele origin: germline.
Comment: This sequence change replaces proline, which is neutral and non-polar, with leucine, which is neutral and non-polar, at codon 158 of the OTULIN protein (p.Pro158Leu). This variant is not present in population databases (gnomAD no frequency). This variant has not been reported in the literature in individuals affected with OTULIN-related conditions. Invitae Evidence Modeling of protein sequence and biophysical properties (such as structural, functional, and spatial information, amino acid conservation, physicochemical variation, residue mobility, and thermodynamic stability) indicates that this missense variant is not expected to disrupt OTULIN protein function with a negative predictive value of 80%. In summary, the available evidence is currently insufficient to determine the role of this variant in disease. Therefore, it has been classified as a Variant of Uncertain Significance.

NM_138348.6(OTULIN):c.473C>T (p.Pro158Leu)

Gene: OTULIN (OTU deubiquitinase with linear linkage specificity; plus strand). Cytogenetic location: 5p15.2.
Variant type: single nucleotide variant.
Coding change: c.473C>T on transcript NM_138348.6 (MANE Select); coding-DNA position 473, C replaced by T.
Protein change: p.Pro158Leu; replaces proline 158 with leucine.
Molecular consequence: missense variant.
Genome position (GRCh38, 1-based): chr5:14,687,525, C>T. VCF-style: chr5-14687525-C-T. GRCh37 (hg19) VCF-style: chr5-14687634-C-T.
Other names: short protein forms P158L.
Identifiers: ClinVar variation 4745370 (VCV004745370.1).